The following is an entry in ClinVar:

NM_001365951.3(KIF1B):c.1802A>G (p.Glu601Gly)

Gene: KIF1B (kinesin family member 1B; plus strand). Cytogenetic location: 1p36.22.
Variant type: single nucleotide variant.
Coding change: c.1802A>G on transcript NM_001365951.3 (MANE Select); coding-DNA position 1802, A replaced by G.
Protein change: p.Glu601Gly; replaces glutamic acid 601 with glycine.
Molecular consequence: missense variant.
Genome position (GRCh38, 1-based): chr1:10,296,606, A>G. VCF-style: chr1-10296606-A-G. GRCh37 (hg19) VCF-style: chr1-10356664-A-G.
Other names: c.1802A>G, p.Glu601Gly (NM_001365952.1); c.1664A>G, p.Glu555Gly (NM_001365953.1, NM_015074.3, NM_183416.4); short protein forms E601G, E555G.
Identifiers: ClinVar variation 1380125 (VCV001380125.7), dbSNP rs2102258159, ClinGen allele CA338315609.

ClinVar aggregate classification (germline): Uncertain significance. Review status: criteria provided, multiple submitters, no conflicts (2 of 4 stars). 2 submissions from 2 submitters: Uncertain significance (2). Last evaluated 2025-03-27.

Conditions:
Charcot-Marie-Tooth disease type 2. Also called: Charcot-Marie-Tooth type 2. Identifiers: Orphanet 64746, MedGen C0270914, MONDO:0018993.

Submissions (2):

Ambry Genetics
Classification: Uncertain significance. Last evaluated: 2025-03-27. Review status: criteria provided, single submitter. Criteria: Ambry Variant Classification Scheme 2023. Collection method: clinical testing. Allele origin: germline.
Comment: The p.E555G variant (also known as c.1664A>G), located in coding exon 17 of the KIF1B gene, results from an A to G substitution at nucleotide position 1664. The glutamic acid at codon 555 is replaced by glycine, an amino acid with similar properties. This amino acid position is conserved. In addition, this alteration is predicted to be deleterious by in silico analysis. Based on the available evidence, the clinical significance of this variant remains unclear.

Labcorp Genetics (formerly Invitae), Labcorp
Classification: Uncertain significance for Charcot-Marie-Tooth disease type 2. Last evaluated: 2021-11-15. Review status: criteria provided, single submitter. Criteria: Invitae Variant Classification Sherloc (09022015). Collection method: clinical testing. Allele origin: germline.
Comment: In summary, the available evidence is currently insufficient to determine the role of this variant in disease. Therefore, it has been classified as a Variant of Uncertain Significance. Algorithms developed to predict the effect of missense changes on protein structure and function are either unavailable or do not agree on the potential impact of this missense change (SIFT: "Deleterious"; PolyPhen-2: "Benign"; Align-GVGD: "Class C0"). This variant has not been reported in the literature in individuals affected with KIF1B-related conditions. This variant is not present in population databases (gnomAD no frequency). This sequence change replaces glutamic acid, which is acidic and polar, with glycine, which is neutral and non-polar, at codon 555 of the KIF1B protein (p.Glu555Gly).